The following is an entry in ClinVar:

ClinVar aggregate classification (germline): Likely benign. Review status: criteria provided, single submitter (1 of 4 stars). 2 submissions from 2 submitters: Likely benign (1). 1 of the submissions does not count toward it. Last evaluated 2024-03-13.

Conditions:
FRAS1-related disorder. Also called: FRAS1-related condition.

Allele frequency attached by ClinVar (database versions not stated): ExAC 0.00002.
gnomAD v4.1: 56 of 1,612,802 alleles (0.0035%); highest among the groups gnomAD compares: Middle Eastern, 0.033%; no homozygotes.

Submissions (2):

Labcorp Genetics (formerly Invitae), Labcorp
Classification: Likely benign. Last evaluated: 2024-03-13. Review status: criteria provided, single submitter. Criteria: Invitae Variant Classification Sherloc (09022015). Collection method: clinical testing. Allele origin: germline.

PreventionGenetics, part of Exact Sciences
Classification: Likely benign for FRAS1-related condition. Last evaluated: 2019-04-02. Review status: no assertion criteria provided. Collection method: clinical testing. Allele origin: germline. Not counted in ClinVar's aggregate classification.
Comment: This variant is classified as likely benign based on ACMG/AMP sequence variant interpretation guidelines (Richards et al. 2015 PMID: 25741868, with internal and published modifications).

NM_025074.7(FRAS1):c.129C>T (p.Pro43=)

Gene: FRAS1 (Fraser extracellular matrix complex subunit 1; plus strand). Cytogenetic location: 4q21.21.
Variant type: single nucleotide variant.
Coding change: c.129C>T on transcript NM_025074.7 (MANE Select); coding-DNA position 129, C replaced by T.
Protein change: p.Pro43=; no amino-acid change (proline 43 retained).
Molecular consequence: synonymous variant.
Genome position (GRCh38, 1-based): chr4:78,237,530, C>T. VCF-style: chr4-78237530-C-T. GRCh37 (hg19) VCF-style: chr4-79158684-C-T.
Other names: c.129C>T, p.Pro43= (NM_001166133.2); c.129C>T (NM_025074.6).
Identifiers: ClinVar variation 1486275 (VCV001486275.10), dbSNP rs781749700, ClinGen allele CA2975843.